The following is an entry in ClinVar:

ClinVar aggregate classification (germline): Uncertain significance (1 of 4 stars; one submission).

Conditions:
Neuropathy, hereditary sensory, type 2C. Also called: Hereditary sensory and autonomic neuropathy type IIC; KIF1A-Related HSAN2 (HSAN2C). Identifiers: Orphanet 970, MedGen C3280168, MONDO:0013634, OMIM 614213.
Hereditary spastic paraplegia 30. Identifiers: Orphanet 101010, MedGen C5235139, MONDO:0012476.
Intellectual disability, autosomal dominant 9 (NESCAVS). Also called: NESCAV SYNDROME; KIF1A-Related Neurodevelopmental Disorder. Identifiers: Orphanet 662367, MedGen C5393830, MONDO:0013656, OMIM 614255.

Submission:

Labcorp Genetics (formerly Invitae), Labcorp
Classification: Uncertain significance for Hereditary spastic paraplegia 30; Neuropathy, hereditary sensory, type 2C; Intellectual disability, autosomal dominant 9. Last evaluated: 2023-03-31. Review status: criteria provided, single submitter. Criteria: Invitae Variant Classification Sherloc (09022015). Collection method: clinical testing. Allele origin: germline.
Comment: This variant has not been reported in the literature in individuals affected with KIF1A-related conditions. This variant is not present in population databases (gnomAD no frequency). This sequence change replaces methionine, which is neutral and non-polar, with isoleucine, which is neutral and non-polar, at codon 1164 of the KIF1A protein (p.Met1164Ile). Advanced modeling of protein sequence and biophysical properties (such as structural, functional, and spatial information, amino acid conservation, physicochemical variation, residue mobility, and thermodynamic stability) performed at Invitae indicates that this missense variant is not expected to disrupt KIF1A protein function. In summary, the available evidence is currently insufficient to determine the role of this variant in disease. Therefore, it has been classified as a Variant of Uncertain Significance.

NM_001244008.2(KIF1A):c.3795G>C (p.Met1265Ile)

Genes: KIF1A (kinesin family member 1A; minus strand), LOC126806583 (P300/CBP strongly-dependent group 1 enhancer GRCh37_chr2:241678910-241680109; plus strand). Cytogenetic location: 2q37.3.
Variant type: single nucleotide variant.
Coding change: c.3795G>C on transcript NM_001244008.2 (MANE Select); coding-DNA position 3795, G replaced by C.
Protein change: p.Met1265Ile; replaces methionine 1265 with isoleucine.
Molecular consequence: missense variant.
Genome position (GRCh38, 1-based): chr2:240,740,319, C>G on the plus strand (G>C on the coding strand, the complement: KIF1A is on the minus strand). VCF-style: chr2-240740319-C-G. GRCh37 (hg19) VCF-style: chr2-241679736-C-G.
Other names: c.3519G>C, p.Met1173Ile (NM_001320705.2, NM_001330289.2, NM_001379638.1); c.3594G>C, p.Met1198Ile (NM_001330290.2, NM_001379634.1, NM_001379635.1 and 1 more transcripts); c.3870G>C, p.Met1290Ile (NM_001379631.1); c.3744G>C, p.Met1248Ile (NM_001379632.1); c.3768G>C, p.Met1256Ile (NM_001379633.1, NM_001379642.1, NM_001379645.1); c.3492G>C, p.Met1164Ile (NM_001379636.1, NM_001379639.1, NM_001379641.1 and 6 more transcripts); c.3567G>C, p.Met1189Ile (NM_001379637.1, NM_001379648.1); c.3489G>C, p.Met1163Ile (NM_001379640.1); short protein forms M1173I, M1189I, M1256I, M1290I, M1198I, M1248I, M1265I, M1164I.
Identifiers: ClinVar variation 2924848 (VCV002924848.3), dbSNP rs376759734, ClinGen allele CA351314804.